The following is an entry in ClinVar:

ClinVar aggregate classification (germline): Likely benign. Review status: criteria provided, multiple submitters, no conflicts (2 of 4 stars). 2 submissions from 2 submitters: Likely benign (2). Last evaluated 2022-08-24.

Conditions:
X-linked Emery-Dreifuss muscular dystrophy. Also called: Muscular dystrophy, tardive Emery-Dreifuss type, with contractures. Identifiers: Orphanet 261, Orphanet 98863, MedGen C0751337, MONDO:0010680.

Allele frequency attached by ClinVar (database versions not stated): gnomAD exomes below 0.00001 and 0.00001.

Submissions (2):

Labcorp Genetics (formerly Invitae), Labcorp
Classification: Likely benign for X-linked Emery-Dreifuss muscular dystrophy. Last evaluated: 2022-08-24. Review status: criteria provided, single submitter. Criteria: Invitae Variant Classification Sherloc (09022015). Collection method: clinical testing. Allele origin: germline.

GeneDx
Classification: Likely benign. Last evaluated: 2015-11-17. Review status: criteria provided, single submitter. Criteria: GeneDx Variant Classification (06012015). Collection method: clinical testing. Allele origin: germline. Affected: yes.
Comment: This variant is considered likely benign or benign based on one or more of the following criteria: it is a conservative change, it occurs at a poorly conserved position in the protein, it is predicted to be benign by multiple in silico algorithms, and/or has population frequency not consistent with disease.

NM_000117.3(EMD):c.702C>T (p.Val234=)

Gene: EMD (emerin; plus strand). Cytogenetic location: Xq28.
Variant type: single nucleotide variant.
Coding change: c.702C>T on transcript NM_000117.3 (MANE Select); coding-DNA position 702, C replaced by T.
Protein change: p.Val234=; no amino-acid change (valine 234 retained).
Molecular consequence: synonymous variant.
Genome position (GRCh38, 1-based): chrX:154,381,134, C>T. VCF-style: chrX-154381134-C-T. GRCh37 (hg19) VCF-style: chrX-153609494-C-T.
Identifiers: ClinVar variation 381563 (VCV000381563.6), dbSNP rs1057521076, ClinGen allele CA16608840.